The following is an entry in ClinVar:

ClinVar aggregate classification (germline): Uncertain significance (1 of 4 stars; one submission).

Conditions:
DICER1-related tumor predisposition. Also called: DICER1-related pleuropulmonary blastoma cancer predisposition syndrome; DICER1 syndrome. Identifiers: Orphanet 284343, MedGen C3839822, MONDO:0100216.

Submission:

Labcorp Genetics (formerly Invitae), Labcorp
Classification: Uncertain significance for DICER1-related tumor predisposition. Last evaluated: 2024-09-12. Review status: criteria provided, single submitter. Criteria: Invitae Variant Classification Sherloc (09022015). Collection method: clinical testing. Allele origin: germline.
Comment: This sequence change replaces lysine, which is basic and polar, with arginine, which is basic and polar, at codon 868 of the DICER1 protein (p.Lys868Arg). This variant is not present in population databases (gnomAD no frequency). This variant has not been reported in the literature in individuals affected with DICER1-related conditions. ClinVar contains an entry for this variant (Variation ID: 2033343). Invitae Evidence Modeling of protein sequence and biophysical properties (such as structural, functional, and spatial information, amino acid conservation, physicochemical variation, residue mobility, and thermodynamic stability) indicates that this missense variant is not expected to disrupt DICER1 protein function with a negative predictive value of 80%. In summary, the available evidence is currently insufficient to determine the role of this variant in disease. Therefore, it has been classified as a Variant of Uncertain Significance.

NM_177438.3(DICER1):c.2603A>G (p.Lys868Arg)

Gene: DICER1 (dicer 1, ribonuclease III; minus strand). Cytogenetic location: 14q32.13.
Variant type: single nucleotide variant.
Coding change: c.2603A>G on transcript NM_177438.3 (MANE Select); coding-DNA position 2603, A replaced by G.
Protein change: p.Lys868Arg; replaces lysine 868 with arginine.
Molecular consequence: missense variant. On other transcripts: non-coding transcript variant (6).
Genome position (GRCh38, 1-based): chr14:95,107,927, T>C on the plus strand (A>G on the coding strand, the complement: DICER1 is on the minus strand). VCF-style: chr14-95107927-T-C. GRCh37 (hg19) VCF-style: chr14-95574264-T-C.
Other names: c.2603A>G, p.Lys868Arg (NM_001291628.2, NM_001395677.1, NM_001395678.1 and 13 more transcripts); c.2321A>G, p.Lys774Arg (NM_001395686.1); c.2198A>G, p.Lys733Arg (NM_001395687.1, NM_001395688.1, NM_001395689.1 and 2 more transcripts); c.2036A>G, p.Lys679Arg (NM_001395691.1); c.920A>G, p.Lys307Arg (NM_001395697.1); short protein forms K868R, K307R, K679R, K774R, K733R.
Identifiers: ClinVar variation 2033343 (VCV002033343.4), dbSNP rs2542838973, ClinGen allele CA390881417.